The following is an entry in ClinVar:

NM_021939.4(FKBP10):c.505C>T (p.Arg169Cys)

Gene: FKBP10 (FKBP prolyl isomerase 10; plus strand). Cytogenetic location: 17q21.2.
Variant type: single nucleotide variant.
Coding change: c.505C>T on transcript NM_021939.4 (MANE Select); coding-DNA position 505, C replaced by T.
Protein change: p.Arg169Cys; replaces arginine 169 with cysteine.
Molecular consequence: missense variant.
Genome position (GRCh38, 1-based): chr17:41,818,202, C>T. VCF-style: chr17-41818202-C-T. GRCh37 (hg19) VCF-style: chr17-39974454-C-T.
Other names: short protein forms R169C.
Identifiers: ClinVar variation 993587 (VCV000993587.8), dbSNP rs782676847, ClinGen allele CA399514581.

ClinVar aggregate classification (germline): Uncertain significance (1 of 4 stars; one submission).

Allele frequency attached by ClinVar (database versions not stated): gnomAD exomes 0.00001.
gnomAD v4.1: 5 of 1,613,674 alleles (0.00031%); highest among the groups gnomAD compares: South Asian, 0.0022%; no homozygotes.

Submission:

ARUP Laboratories, Molecular Genetics and Genomics, ARUP Laboratories
Classification: Uncertain significance. Last evaluated: 2020-08-24. Review status: criteria provided, single submitter. Criteria: ARUP Molecular Germline Variant Investigation Process. Collection method: clinical testing. Allele origin: germline.
Comment: The FKBP10 c.505C>T; p.Arg169Cys variant (rs782676847), to our knowledge, is not reported in the medical literature or gene specific databases. This variant is only observed on two alleles in the Genome Aggregation Database, indicating it is not a common polymorphism. The arginine at codon 169 is highly conserved, and computational analyses (SIFT, PolyPhen-2) predict that this variant is deleterious. Due to limited information, the clinical significance of the p.Arg169Cys variant is uncertain at this time.